The following is an entry in ClinVar:

NC_000017.10:g.(?_29559081)_(29701173_?)del

Genes: EVI2A (ecotropic viral integration site 2A; minus strand), EVI2B (ecotropic viral integration site 2B; minus strand), NF1 (neurofibromin 1; plus strand), OMG (oligodendrocyte myelin glycoprotein; minus strand). Cytogenetic location: 17q11.2.
Variant type: Deletion.
Identifiers: ClinVar variation 1070145 (VCV001070145.1).

ClinVar aggregate classification (germline): Pathogenic (1 of 4 stars; one submission).

Conditions:
Neurofibromatosis, type 1 (NF1). Also called: VON RECKLINGHAUSEN DISEASE; Peripheral type neurofibromatosis; NEUROFIBROMATOSIS, TYPE I, SOMATIC; Neurofibromatosis, type I. Identifiers: Orphanet 636, MedGen C0027831, MONDO:0018975, OMIM 162200. Disease mechanism: loss of function.

Submission:

Labcorp Genetics (formerly Invitae), Labcorp
Classification: Pathogenic for Neurofibromatosis, type 1. Last evaluated: 2020-06-23. Review status: criteria provided, single submitter. Criteria: Invitae Variant Classification Sherloc (09022015). Collection method: clinical testing. Allele origin: germline.
Comment: This variant is a gross deletion of the genomic region encompassing exon(s) 25-57 of the NF1 gene. The 5' boundary is likely confined to intron 24. The 3' end of this event is unknown as it extends through the termination codon beyond the assayed region for this gene and may encompass additional genes. While this deletion is not anticipated to result in nonsense mediated decay, it is expected to create a truncated protein product or disrupt mRNA translation. This variant has not been reported in the literature in individuals with NF1-related conditions. The region of the NF1 gene that includes exons 36-57 has been determined to be clinically significant (Invitae). Therefore, deletions that encompass that region are likely to disrupt protein function and cause disease. For these reasons, this variant has been classified as Pathogenic.